The following is an entry in ClinVar:

ClinVar aggregate classification (germline): Uncertain significance (1 of 4 stars; one submission).

Allele frequency attached by ClinVar (database versions not stated): gnomAD 0.00001; TOPMed 0.00001.
gnomAD v4.1: 1 of 1,614,046 alleles (0.000062%); highest among the groups gnomAD compares: East Asian, 0.0022%; no homozygotes.

Submission:

Women's Health and Genetics/Laboratory Corporation of America, LabCorp
Classification: Uncertain significance. Last evaluated: 2024-04-22. Review status: criteria provided, single submitter. Criteria: LabCorp Variant Classification Summary - May 2015. Collection method: clinical testing. Allele origin: germline.
Comment: Variant summary: CLCN1 c.1117A>T (p.Met373Leu) results in a conservative amino acid change located in the helix J transmembrane domain (Moon_2009) of the encoded protein sequence. Four of five in-silico tools predict a benign effect of the variant on protein function. The variant allele was found at a frequency of 4e-06 in 251472 control chromosomes. The available data on variant occurrences in the general population are insufficient to allow any conclusion about variant significance. c.1117A>T has been reported in the literature as a heterozygous genotype in at-least one individual affected with Myotonia congenita (Moon_2009). These report(s) do not provide unequivocal conclusions about association of the variant with Myotonia congenita. At least one publication reports experimental evidence evaluating an impact on protein function, however, does not allow convincing conclusions about the variant effect, although authors report WT-characteristics with no significant effect on fast gating process (Ha_2014). The following publications have been ascertained in the context of this evaluation (PMID: 24625573, 19949657). No submitters have cited clinical-significance assessments for this variant to ClinVar. Based on the evidence outlined above, the variant was classified as uncertain significance.

Literature cited by the submitters: PubMed 24625573; PubMed 19949657.

NM_000083.3(CLCN1):c.1117A>T (p.Met373Leu)

Gene: CLCN1 (chloride voltage-gated channel 1; plus strand). Cytogenetic location: 7q34.
Variant type: single nucleotide variant.
Coding change: c.1117A>T on transcript NM_000083.3 (MANE Select); coding-DNA position 1117, A replaced by T.
Protein change: p.Met373Leu; replaces methionine 373 with leucine.
Molecular consequence: missense variant. On other transcripts: non-coding transcript variant (1).
Genome position (GRCh38, 1-based): chr7:143,331,603, A>T. VCF-style: chr7-143331603-A-T. GRCh37 (hg19) VCF-style: chr7-143028696-A-T.
Other names: short protein forms M373L.
Identifiers: ClinVar variation 3251802 (VCV003251802.1), dbSNP rs1204054164.